The following is an entry in ClinVar:

NM_198578.4(LRRK2):c.131T>C (p.Val44Ala)

Gene: LRRK2 (leucine rich repeat kinase 2; plus strand). Cytogenetic location: 12q12.
Variant type: single nucleotide variant.
Coding change: c.131T>C on transcript NM_198578.4 (MANE Select); coding-DNA position 131, T replaced by C.
Protein change: p.Val44Ala; replaces valine 44 with alanine.
Molecular consequence: missense variant.
Genome position (GRCh38, 1-based): chr12:40,225,262, T>C. VCF-style: chr12-40225262-T-C. GRCh37 (hg19) VCF-style: chr12-40619064-T-C.
Other names: short protein forms V44A.
Identifiers: ClinVar variation 1769880 (VCV001769880.4), dbSNP rs1394478762, ClinGen allele CA384398698.

ClinVar aggregate classification (germline): Uncertain significance. Review status: criteria provided, multiple submitters, no conflicts (2 of 4 stars). 2 submissions from 2 submitters: Uncertain significance (2). Last evaluated 2025-02-11.

Conditions:
Inborn genetic diseases. Identifiers: MedGen C0950123, MeSH D030342.

Submissions (2):

GeneDx
Classification: Uncertain significance. Last evaluated: 2025-02-11. Review status: criteria provided, single submitter. Criteria: GeneDx Variant Classification Process June 2021. Collection method: clinical testing. Allele origin: germline. Affected: yes.
Comment: Not observed at significant frequency in large population cohorts (gnomAD); In silico analysis indicates that this missense variant does not alter protein structure/function; Has not been previously published as pathogenic or benign to our knowledge

Ambry Genetics
Classification: Uncertain significance for Inborn genetic diseases. Last evaluated: 2024-06-21. Review status: criteria provided, single submitter. Criteria: Ambry Variant Classification Scheme 2023. Collection method: clinical testing. Allele origin: germline.
Comment: The p.V44A variant (also known as c.131T>C), located in coding exon 1 of the LRRK2 gene, results from a T to C substitution at nucleotide position 131. The valine at codon 44 is replaced by alanine, an amino acid with similar properties. This amino acid position is conserved. In addition, this alteration is predicted to be tolerated by in silico analysis. Since supporting evidence is limited at this time, the clinical significance of this alteration remains unclear.